The following is an entry in ClinVar:

NM_001044.5(SLC6A3):c.1403G>T (p.Gly468Val)

Gene: SLC6A3 (solute carrier family 6 member 3). Cytogenetic location: 5p15.33.
Variant type: single nucleotide variant.
Coding change: c.1403G>T on transcript NM_001044.5 (MANE Select); coding-DNA position 1403, G replaced by T.
Protein change: p.Gly468Val; replaces glycine 468 with valine.
Molecular consequence: missense variant.
Genome position (GRCh38, 1-based): chr5:1,409,121, C>A on the plus strand (G>T on the coding strand, the complement: SLC6A3 is on the minus strand). VCF-style: chr5-1409121-C-A. GRCh37 (hg19) VCF-style: chr5-1409236-C-A.
Other names: short protein forms G468V.
Identifiers: ClinVar variation 3391326 (VCV003391326.1).
Genomic context (GRCh38, chr5:1,409,121, plus strand): 5'-ACTCCAAAGAGGATGGACGTGCCGGCTGCAAAATGGTCCAGGAGCGTGAAGACGTAGATG[C>A]CACCCTGGAAGAGAGGGGAGCCTGTGGACCTACAGAAGGGCTTTCCCCAGAGGTAAACCC-3'
Protein context (NP_001035.1, residues 458-478): LLSLFCVTNG[Gly468Val]IYVFTLLDHF

ClinVar aggregate classification (germline): Uncertain significance (1 of 4 stars; one submission).

Conditions:
Classic dopamine transporter deficiency syndrome (PKDYS1). Also called: DOPAMINE TRANSPORTER DEFICIENCY SYNDROME; Parkinsonism-dystonia, infantile, 1. Identifiers: Orphanet 238455, MedGen C5700336, MONDO:0054835, OMIM 613135.

Submission:

Neuberg Centre For Genomic Medicine, NCGM
Classification: Uncertain significance for Classic dopamine transporter deficiency syndrome. Last evaluated: 2023-07-22. Review status: criteria provided, single submitter. Criteria: ACMG Guidelines, 2015. Collection method: clinical testing. Allele origin: germline. Inheritance: Autosomal recessive inheritance. Affected: yes.
Comment: The observed missense variant c.1403G>Tp.Gly468Val in SLC6A3 gene has not been reported previously as a pathogenic variant nor as a benign variant, to our knowledge. This variant is absent in gnomAD Exomes. The amino acid Gly at position 468 is changed to a Val changing protein sequence and it might alter its composition and physico-chemical properties. Multiple lines of computational evidence Polyphen-probably damaging, SIFT-damaging and Mutation Taster-disease causing predict a damaging effect on protein structure and function for this variant. The reference amino acid p.Gly468Val in SLC6A3 is predicted as conserved by GERP++ and PhyloP across 100 vertebrates. For these reasons, this variant has been classified as Uncertain Significance.